The following is an entry in ClinVar:

ClinVar aggregate classification (germline): Likely benign. Review status: reviewed by expert panel (3 of 4 stars). 5 submissions from 5 submitters: Likely benign (1). 4 of the submissions do not count toward it. Last evaluated 2023-11-13.

Conditions:
Hereditary thrombocytopenia and hematologic cancer predisposition syndrome. Identifiers: Orphanet 71290, MedGen CN281654, MONDO:0011071.
Inborn genetic diseases. Identifiers: MedGen C0950123, MeSH D030342.
Hereditary thrombocytopenia and hematological cancer predisposition syndrome associated with RUNX1. Also called: PLATELET DISORDER, ASPIRIN-LIKE; Familial Platelet Disorder with Propensity to Acute Myelogenous Leukemia; Familial thrombocytopenia with propensity to acute myelogenous leukemia; RUNX1 Familial Platelet Disorder with Associated Myeloid Malignancies. Identifiers: Orphanet 71290, MedGen C1832388, MeSH C563324, MONDO:0100083, OMIM 601399.
Hereditary cancer-predisposing syndrome. Also called: Tumor predisposition; Hereditary neoplastic syndrome; Hereditary Cancer Syndrome; Neoplastic Syndromes, Hereditary. Identifiers: Orphanet 140162, MedGen C0027672, MeSH D009386, MONDO:0015356.

Allele frequency attached by ClinVar (database versions not stated): gnomAD 0.00002 and 0.00003; TOPMed 0.00002; gnomAD exomes 0.00004; ExAC 0.00005.
gnomAD v4.1: 66 of 1,612,608 alleles (0.0041%); highest among the groups gnomAD compares: South Asian, 0.034%; 2 homozygotes.

Submissions (5):

ClinGen Myeloid Malignancy Variant Curation Expert Panel
Classification: Likely benign for Hereditary thrombocytopenia and hematologic cancer predisposition syndrome. Last evaluated: 2023-11-13. Review status: reviewed by expert panel. Criteria: ClinGen MyeloMalig ACMG Specifications v2. Collection method: curation. Allele origin: germline. Inheritance: Autosomal dominant inheritance.
Comment: NM_001754.5(RUNX1):c.666C>T (p.Ser222=) is a synonymous variant. This variant has been seen 11x in gnomADv2.1 with a MAF of 0.00026 (0.026%, 8/30616 in the South Asian sub-population (BS1). REVEL score not applicable and SpliceAI <=0.20 (BP4). In summary, this variant meets criteria to be classified as likely benign. ACMG/AMP criteria applied, as specified by the Myeloid Malignancy Variant Curation Expert Panel for RUNX1: BS1 and BP4

Labcorp Genetics (formerly Invitae), Labcorp
Classification: Likely benign for Hereditary thrombocytopenia and hematological cancer predisposition syndrome associated with RUNX1. Last evaluated: 2025-11-17. Review status: criteria provided, single submitter. Criteria: Invitae Variant Classification Sherloc (09022015). Collection method: clinical testing. Allele origin: germline. Not counted in ClinVar's aggregate classification.

Ambry Genetics
Classification: Likely benign for Inborn genetic diseases. Last evaluated: 2024-11-21. Review status: criteria provided, single submitter. Criteria: Ambry Variant Classification Scheme 2023. Collection method: clinical testing. Allele origin: germline. Not counted in ClinVar's aggregate classification.

Blueprint Genetics
Classification: Likely benign. Last evaluated: 2024-05-08. Review status: criteria provided, single submitter. Criteria: ACMG Guidelines, 2015. Collection method: clinical testing. Allele origin: germline. Not counted in ClinVar's aggregate classification.

Sema4
Classification: Likely benign for Hereditary cancer-predisposing syndrome. Last evaluated: 2021-08-02. Review status: criteria provided, single submitter. Criteria: Sema4 Curation Guidelines. Collection method: curation. Allele origin: germline. Not counted in ClinVar's aggregate classification.

NM_001754.5(RUNX1):c.666C>T (p.Ser222=)

Gene: RUNX1 (RUNX family transcription factor 1; minus strand). Cytogenetic location: 21q22.12.
Variant type: single nucleotide variant.
Coding change: c.666C>T on transcript NM_001754.5 (MANE Select); coding-DNA position 666, C replaced by T.
Protein change: p.Ser222=; no amino-acid change (serine 222 retained).
Molecular consequence: synonymous variant.
Genome position (GRCh38, 1-based): chr21:34,834,549, G>A on the plus strand (C>T on the coding strand, the complement: RUNX1 is on the minus strand). VCF-style: chr21-34834549-G-A. GRCh37 (hg19) VCF-style: chr21-36206846-G-A.
Other names: NM_001754.5(RUNX1):c.666C>T; p.Ser222=; c.585C>T, p.Ser195= (NM_001001890.3, NM_001122607.2).
Identifiers: ClinVar variation 695464 (VCV000695464.15), dbSNP rs747906151, ClinGen allele CA10014382.